The following is an entry in ClinVar:

ClinVar aggregate classification (germline): Conflicting classifications of pathogenicity. Review status: criteria provided, conflicting classifications (1 of 4 stars). 5 submissions from 5 submitters: Likely pathogenic (2); Uncertain significance (3). Last evaluated 2025-12-16.

Conditions:
NARS2-related disorder. Also called: NARS2-related condition.
Combined oxidative phosphorylation defect type 24. Also called: Combined oxidative phosphorylation deficiency 24. Identifiers: Orphanet 444458, MedGen C4015643, MONDO:0014547, OMIM 616239.

Allele frequency attached by ClinVar (database versions not stated): ExAC 0.00002; gnomAD exomes 0.00004 and 0.00002; TOPMed 0.00004; ESP Exome Variant Server 0.00023; gnomAD 0.00003.
gnomAD v4.1: 56 of 1,613,606 alleles (0.0035%); highest among the groups gnomAD compares: Non-Finnish European, 0.0047%; no homozygotes.

Submissions (5):

PreventionGenetics, part of Exact Sciences
Classification: Uncertain significance for NARS2-related condition. Last evaluated: 2025-12-16. Review status: criteria provided, single submitter. Criteria: ACMG Guidelines, 2015. Collection method: clinical testing. Allele origin: germline.
Comment: The NARS2 c.749G>A variant is predicted to result in the amino acid substitution p.Arg250Gln. This variant was reported in the compound heterozygous state in two individuals with infantile-onset neurodegenerative disorder (Dzinovic et al. 2022. PubMed ID: 35872528; Berger et al. 2023. PubMed ID: 37194472). This variant is reported in 0.0044% of alleles in individuals of European (Non-Finnish) descent in gnomAD. Although we suspect that this variant may be pathogenic, at this time, the clinical significance of this variant is uncertain due to the absence of conclusive functional and genetic evidence.

GeneDx
Classification: Likely pathogenic. Last evaluated: 2025-09-24. Review status: criteria provided, single submitter. Criteria: GeneDx Variant Classification Process June 2021. Collection method: clinical testing. Allele origin: germline. Affected: yes.
Comment: In silico analysis suggests that this missense variant does not alter protein structure/function; Not observed at significant frequency in large population cohorts (gnomAD); This variant is associated with the following publications: (PMID: 31589614, 35872528, 37194472, 37746452, 39763557)

Blueprint Genetics
Classification: Uncertain significance. Last evaluated: 2023-11-14. Review status: criteria provided, single submitter. Criteria: ACMG Guidelines, 2015. Collection method: clinical testing. Allele origin: germline.

Labcorp Genetics (formerly Invitae), Labcorp
Classification: Uncertain significance. Last evaluated: 2022-06-05. Review status: criteria provided, single submitter. Criteria: Invitae Variant Classification Sherloc (09022015). Collection method: clinical testing. Allele origin: germline.
Comment: This sequence change replaces arginine, which is basic and polar, with glutamine, which is neutral and polar, at codon 250 of the NARS2 protein (p.Arg250Gln). This variant is present in population databases (rs150879145, gnomAD 0.005%). This variant has not been reported in the literature in individuals affected with NARS2-related conditions. ClinVar contains an entry for this variant (Variation ID: 427163). Algorithms developed to predict the effect of missense changes on protein structure and function are either unavailable or do not agree on the potential impact of this missense change (SIFT: "Tolerated"; PolyPhen-2: "Possibly Damaging"; Align-GVGD: "Class C0"). In summary, the available evidence is currently insufficient to determine the role of this variant in disease. Therefore, it has been classified as a Variant of Uncertain Significance.

Institute of Human Genetics Munich, TUM University Hospital
Classification: Likely pathogenic for Combined oxidative phosphorylation defect type 24. Last evaluated: 2021-05-06. Review status: criteria provided, single submitter. Criteria: Classification criteria August 2017. Collection method: clinical testing. Allele origin: maternal. Inheritance: Autosomal recessive inheritance. Affected: yes. Observed: 1 variant allele.

NM_024678.6(NARS2):c.749G>A (p.Arg250Gln)

Gene: NARS2 (asparaginyl-tRNA synthetase 2, mitochondrial; minus strand). Cytogenetic location: 11q14.1.
Variant type: single nucleotide variant.
Coding change: c.749G>A on transcript NM_024678.6 (MANE Select); coding-DNA position 749, G replaced by A.
Protein change: p.Arg250Gln; replaces arginine 250 with glutamine.
Molecular consequence: missense variant.
Genome position (GRCh38, 1-based): chr11:78,493,136, C>T on the plus strand (G>A on the coding strand, the complement: NARS2 is on the minus strand). VCF-style: chr11-78493136-C-T. GRCh37 (hg19) VCF-style: chr11-78204182-C-T.
Other names: p.(Arg250Gln); c.68G>A, p.Arg23Gln (NM_001243251.2); short protein forms R23Q, R250Q.
Identifiers: ClinVar variation 427163 (VCV000427163.11), dbSNP rs150879145, ClinGen allele CA6205723.